The following is an entry in ClinVar:

ClinVar aggregate classification (germline): Uncertain significance. Review status: criteria provided, multiple submitters, no conflicts (2 of 4 stars). 2 submissions from 2 submitters: Uncertain significance (2). Last evaluated 2023-12-16.

Conditions:
Inborn genetic diseases. Identifiers: MedGen C0950123, MeSH D030342.

Allele frequency attached by ClinVar (database versions not stated): TOPMed 0.00002; gnomAD 0.00005.
gnomAD v4.1: 11 of 1,613,880 alleles (0.00068%); highest among the groups gnomAD compares: African/African-American, 0.008%; no homozygotes.

Submissions (2):

Ambry Genetics
Classification: Uncertain significance for Inborn genetic diseases. Last evaluated: 2023-12-16. Review status: criteria provided, single submitter. Criteria: Ambry Variant Classification Scheme 2023. Collection method: clinical testing. Allele origin: germline.

Labcorp Genetics (formerly Invitae), Labcorp
Classification: Uncertain significance. Last evaluated: 2023-02-06. Review status: criteria provided, single submitter. Criteria: Invitae Variant Classification Sherloc (09022015). Collection method: clinical testing. Allele origin: germline.
Comment: In summary, the available evidence is currently insufficient to determine the role of this variant in disease. Therefore, it has been classified as a Variant of Uncertain Significance. Advanced modeling of protein sequence and biophysical properties (such as structural, functional, and spatial information, amino acid conservation, physicochemical variation, residue mobility, and thermodynamic stability) performed at Invitae indicates that this missense variant is not expected to disrupt P4HB protein function. This variant has not been reported in the literature in individuals affected with P4HB-related conditions. This variant is present in population databases (rs777496228, gnomAD 0.01%). This sequence change replaces asparagine, which is neutral and polar, with serine, which is neutral and polar, at codon 189 of the P4HB protein (p.Asn189Ser).

NM_000918.4(P4HB):c.566A>G (p.Asn189Ser)

Gene: P4HB (prolyl 4-hydroxylase subunit beta; minus strand). Cytogenetic location: 17q25.3.
Variant type: single nucleotide variant.
Coding change: c.566A>G on transcript NM_000918.4 (MANE Select); coding-DNA position 566, A replaced by G.
Protein change: p.Asn189Ser; replaces asparagine 189 with serine.
Molecular consequence: missense variant.
Genome position (GRCh38, 1-based): chr17:81,855,200, T>C on the plus strand (A>G on the coding strand, the complement: P4HB is on the minus strand). VCF-style: chr17-81855200-T-C. GRCh37 (hg19) VCF-style: chr17-79813076-T-C.
Other names: c.566A>G (NM_000918.3); short protein forms N189S.
Identifiers: ClinVar variation 2881565 (VCV002881565.4), dbSNP rs777496228, ClinGen allele CA8842922.